The following is an entry in ClinVar:

NM_170606.3(KMT2C):c.6589C>A (p.Gln2197Lys)

Gene: KMT2C (lysine methyltransferase 2C; minus strand). Cytogenetic location: 7q36.1.
Variant type: single nucleotide variant.
Coding change: c.6589C>A on transcript NM_170606.3 (MANE Select); coding-DNA position 6589, C replaced by A.
Protein change: p.Gln2197Lys; replaces glutamine 2197 with lysine.
Molecular consequence: missense variant.
Genome position (GRCh38, 1-based): chr7:152,181,271, G>T on the plus strand (C>A on the coding strand, the complement: KMT2C is on the minus strand). VCF-style: chr7-152181271-G-T. GRCh37 (hg19) VCF-style: chr7-151878356-G-T.
Other names: short protein forms Q2197K.
Identifiers: ClinVar variation 3730852 (VCV003730852.1).
Genomic context (GRCh38, chr7:152,181,271, plus strand): 5'-GGACAGAAATTCCAGGTCTTGGTGTTCCAGGAGGATGAGCATATGGATCAGAATGCCTCT[G>T]ATTTGTTACAGGTGTAACAAACAAGTCAGTTTGTGTAGATGGTCTTGGGGTTTGGGGCTG-3'
Protein context (NP_733751.2, residues 2187-2207): TDLFVTPVTN[Gln2197Lys]RHSDPYAHPP

ClinVar aggregate classification (germline): Uncertain significance (1 of 4 stars; one submission).

Submission:

GeneDx
Classification: Uncertain significance. Last evaluated: 2024-08-12. Review status: criteria provided, single submitter. Criteria: GeneDx Variant Classification Process June 2021. Collection method: clinical testing. Allele origin: germline. Affected: yes.
Comment: Reported in an individual with speech delay, learning disability, recurrent fever, and seizures in published literature; however, no segregation information was provided (PMID: 28600779); Not observed at significant frequency in large population cohorts (gnomAD); In silico analysis indicates that this missense variant does not alter protein structure/function; This variant is associated with the following publications: (PMID: 28600779)